The following is an entry in ClinVar:

ClinVar aggregate classification (germline): Uncertain significance (1 of 4 stars; one submission).

gnomAD v4.1: 1 of 1,613,520 alleles (0.000062%); highest among the groups gnomAD compares: Non-Finnish European, 0.000085%; no homozygotes.

Submission:

Ambry Genetics
Classification: Uncertain significance. Last evaluated: 2026-06-17. Review status: criteria provided, single submitter. Criteria: Ambry Variant Classification Scheme 2023. Collection method: clinical testing. Allele origin: germline.
Comment: The p.Q424H variant (also known as c.1272G>T), located in coding exon 8 of the ATRIP gene, results from a G to T substitution at nucleotide position 1272. The glutamine at codon 424 is replaced by histidine, an amino acid with highly similar properties. This amino acid position is conserved. In addition, this alteration is predicted to be tolerated by in silico analysis. Based on the available evidence, the clinical significance of this variant remains unclear.

NM_130384.3(ATRIP):c.1272G>T (p.Gln424His)

Genes: ATRIP (ATR interacting protein; plus strand), ATRIP-TREX1 (ATRIP-TREX1 readthrough; plus strand). Cytogenetic location: 3p21.31.
Variant type: single nucleotide variant.
Coding change: c.1272G>T on transcript NM_130384.3 (MANE Select); coding-DNA position 1272, G replaced by T.
Protein change: p.Gln424His; replaces glutamine 424 with histidine.
Molecular consequence: missense variant. On other transcripts: non-coding transcript variant (1).
Genome position (GRCh38, 1-based): chr3:48,460,326, G>T. VCF-style: chr3-48460326-G-T. GRCh37 (hg19) VCF-style: chr3-48501725-G-T.
Other names: c.891G>T, p.Gln297His (NM_001271022.2); c.993G>T, p.Gln331His (NM_001271023.2); c.1272G>T, p.Gln424His (NM_032166.4); short protein forms Q297H, Q331H, Q424H.
Identifiers: ClinVar variation 5032404 (VCV005032404.1).